The following is an entry in ClinVar:

NM_032043.3(BRIP1):c.1285A>C (p.Asn429His)

Gene: BRIP1 (BRCA1 interacting DNA helicase 1; minus strand). Cytogenetic location: 17q23.2.
Variant type: single nucleotide variant.
Coding change: c.1285A>C on transcript NM_032043.3 (MANE Select); coding-DNA position 1285, A replaced by C.
Protein change: p.Asn429His; replaces asparagine 429 with histidine.
Molecular consequence: missense variant.
Genome position (GRCh38, 1-based): chr17:61,799,155, T>G on the plus strand (A>C on the coding strand, the complement: BRIP1 is on the minus strand). VCF-style: chr17-61799155-T-G. GRCh37 (hg19) VCF-style: chr17-59876516-T-G.
Other names: short protein forms N429H.
Identifiers: ClinVar variation 1715207 (VCV001715207.6), dbSNP rs1555607082, ClinGen allele CA400483525.

ClinVar aggregate classification (germline): Uncertain significance. Review status: criteria provided, multiple submitters, no conflicts (2 of 4 stars). 2 submissions from 2 submitters: Uncertain significance (2). Last evaluated 2025-12-02.

Conditions:
Hereditary cancer-predisposing syndrome. Also called: Hereditary neoplastic syndrome; Tumor predisposition; Neoplastic Syndromes, Hereditary; Hereditary Cancer Syndrome. Identifiers: Orphanet 140162, MedGen C0027672, MeSH D009386, MONDO:0015356.
Familial cancer of breast. Also called: BREAST CANCER, FAMILIAL; Hereditary breast cancer; hereditary breast carcinoma. Identifiers: Orphanet 227535, MedGen C0346153, MONDO:0016419, OMIM 114480. Disease mechanism: loss of function.
Fanconi anemia complementation group J. Also called: BRIP1-Related Fanconi Anemia. Identifiers: Orphanet 84, MedGen C1836860, MONDO:0012187, OMIM 609054.

Submissions (2):

Labcorp Genetics (formerly Invitae), Labcorp
Classification: Uncertain significance for Familial cancer of breast; Fanconi anemia complementation group J. Last evaluated: 2025-12-02. Review status: criteria provided, single submitter. Criteria: Invitae Variant Classification Sherloc (09022015). Collection method: clinical testing. Allele origin: germline.
Comment: This sequence change replaces asparagine, which is neutral and polar, with histidine, which is basic and polar, at codon 429 of the BRIP1 protein (p.Asn429His). This variant is not present in population databases (gnomAD no frequency). This variant has not been reported in the literature in individuals affected with BRIP1-related conditions. ClinVar contains an entry for this variant (Variation ID: 1715207). Invitae Evidence Modeling of protein sequence and biophysical properties (such as structural, functional, and spatial information, amino acid conservation, physicochemical variation, residue mobility, and thermodynamic stability) indicates that this missense variant is not expected to disrupt BRIP1 protein function with a negative predictive value of 95%. In summary, the available evidence is currently insufficient to determine the role of this variant in disease. Therefore, it has been classified as a Variant of Uncertain Significance.

Ambry Genetics
Classification: Uncertain significance for Hereditary cancer-predisposing syndrome. Last evaluated: 2023-10-15. Review status: criteria provided, single submitter. Criteria: Ambry Variant Classification Scheme 2023. Collection method: clinical testing. Allele origin: germline.
Comment: The p.N429H variant (also known as c.1285A>C), located in coding exon 8 of the BRIP1 gene, results from an A to C substitution at nucleotide position 1285. The asparagine at codon 429 is replaced by histidine, an amino acid with similar properties. This amino acid position is conserved. In addition, this alteration is predicted to be tolerated by in silico analysis. Since supporting evidence is limited at this time, the clinical significance of this alteration remains unclear.